The following is an entry in ClinVar:

NM_031935.3(HMCN1):c.3588G>T (p.Gly1196=)

Gene: HMCN1 (hemicentin 1; plus strand). Cytogenetic location: 1q31.1.
Variant type: single nucleotide variant.
Coding change: c.3588G>T on transcript NM_031935.3 (MANE Select); coding-DNA position 3588, G replaced by T.
Protein change: p.Gly1196=; no amino-acid change (glycine 1196 retained).
Molecular consequence: synonymous variant.
Genome position (GRCh38, 1-based): chr1:185,994,897, G>T. VCF-style: chr1-185994897-G-T. GRCh37 (hg19) VCF-style: chr1-185964029-G-T.
Identifiers: ClinVar variation 1921986 (VCV001921986.5), dbSNP rs142902433, ClinGen allele CA33440263.

ClinVar aggregate classification (germline): Uncertain significance (1 of 4 stars; one submission).

Allele frequency attached by ClinVar (database versions not stated): TOPMed below 0.00001; ESP Exome Variant Server 0.00008.
gnomAD v4.1: 8 of 1,613,774 alleles (0.0005%); highest among the groups gnomAD compares: Middle Eastern, 0.016%; no homozygotes.

Submission:

Labcorp Genetics (formerly Invitae), Labcorp
Classification: Uncertain significance. Last evaluated: 2022-08-22. Review status: criteria provided, single submitter. Criteria: Invitae Variant Classification Sherloc (09022015). Collection method: clinical testing. Allele origin: germline.
Comment: This sequence change affects codon 1196 of the HMCN1 mRNA. It is a 'silent' change, meaning that it does not change the encoded amino acid sequence of the HMCN1 protein. This variant is not present in population databases (gnomAD no frequency). This variant has not been reported in the literature in individuals affected with HMCN1-related conditions. Algorithms developed to predict the effect of sequence changes on RNA splicing suggest that this variant may create or strengthen a splice site. In summary, the available evidence is currently insufficient to determine the role of this variant in disease. Therefore, it has been classified as a Variant of Uncertain Significance.